The following is an entry in ClinVar:

ClinVar aggregate classification (germline): Uncertain significance (1 of 4 stars; one submission).

Allele frequency attached by ClinVar (database versions not stated): TOPMed below 0.00001; gnomAD 0.00001.
gnomAD v4.1: 1 of 1,613,862 alleles (0.000062%); highest among the groups gnomAD compares: East Asian, 0.0022%; no homozygotes.

Submission:

Labcorp Genetics (formerly Invitae), Labcorp
Classification: Uncertain significance. Last evaluated: 2021-07-14. Review status: criteria provided, single submitter. Criteria: Invitae Variant Classification Sherloc (09022015). Collection method: clinical testing. Allele origin: germline.
Comment: This variant is not present in population databases (ExAC no frequency). This variant has not been reported in the literature in individuals affected with RPS29-related conditions. Algorithms developed to predict the effect of missense changes on protein structure and function are either unavailable or do not agree on the potential impact of this missense change (SIFT: "Deleterious"; PolyPhen-2: "Benign"; Align-GVGD: "Class C25"). In summary, the available evidence is currently insufficient to determine the role of this variant in disease. Therefore, it has been classified as a Variant of Uncertain Significance. This sequence change replaces tyrosine with histidine at codon 7 of the RPS29 protein (p.Tyr7His). The tyrosine residue is moderately conserved and there is a moderate physicochemical difference between tyrosine and histidine.

NM_001032.5(RPS29):c.19T>C (p.Tyr7His)

Gene: RPS29 (ribosomal protein S29; minus strand). Cytogenetic location: 14q21.3.
Variant type: single nucleotide variant.
Coding change: c.19T>C on transcript NM_001032.5 (MANE Select); coding-DNA position 19, T replaced by C.
Protein change: p.Tyr7His; replaces tyrosine 7 with histidine.
Molecular consequence: missense variant. On other transcripts: intron variant (1).
Genome position (GRCh38, 1-based): chr14:49,586,328, A>G on the plus strand (T>C on the coding strand, the complement: RPS29 is on the minus strand). VCF-style: chr14-49586328-A-G. GRCh37 (hg19) VCF-style: chr14-50053046-A-G.
Other names: c.19T>C, p.Tyr7His (NM_001030001.4); c.54-279T>C (NM_001351375.2); short protein forms Y7H.
Identifiers: ClinVar variation 1505249 (VCV001505249.8), dbSNP rs1881553021, ClinGen allele CA389755665.